The following is an entry in ClinVar:

ClinVar aggregate classification (germline): Uncertain significance (1 of 4 stars; one submission).

Allele frequency attached by ClinVar (database versions not stated): gnomAD exomes 0.00007; TOPMed below 0.00001; gnomAD 0.00003.
gnomAD v4.1: 44 of 737,378 alleles (0.006%); highest among the groups gnomAD compares: South Asian, 0.057%; no homozygotes.

Submission:

Women's Health and Genetics/Laboratory Corporation of America, LabCorp
Classification: Uncertain significance. Last evaluated: 2022-08-16. Review status: criteria provided, single submitter. Criteria: LabCorp Variant Classification Summary - May 2015. Collection method: clinical testing. Allele origin: germline.
Comment: Variant summary: GBA c.-68-82A>G is located in the untranslated mRNA region upstream of the initiation codon. The variant allele was found at a frequency of 3.2e-05 in 31396 control chromosomes (gnomAD). The available data on variant occurrences in the general population are insufficient to allow any conclusion about variant significance. c.-68-82A>G (also known as c.-150A>G) has been reported in the literature in at-least one individual with the genotype c.(150)A > G+S125R/R131H+RecNciI reportedly affected with Gaucher Disease 2 (Hassan_2018). This report does not provide unequivocal conclusions about association of the variant with Gaucher Disease. To our knowledge, no experimental evidence demonstrating an impact on protein function has been reported. No clinical diagnostic laboratories have submitted clinical-significance assessments for this variant to ClinVar after 2014. Based on the evidence outlined above, the variant was classified as uncertain significance.

Literature cited by the submitters: PubMed 29980418.

NM_001005741.3(GBA1):c.-68-82A>G

Gene: GBA1 (glucosylceramidase beta 1; minus strand). Cytogenetic location: 1q22.
Variant type: single nucleotide variant.
Coding change: c.-68-82A>G on transcript NM_001005741.3; 82 bases into the intron before 68 bases upstream of the start codon, A replaced by G.
Molecular consequence: intron variant.
Genome position (GRCh38, 1-based): chr1:155,241,262, T>C on the plus strand (A>G on the coding strand, the complement: GBA1 is on the minus strand). VCF-style: chr1-155241262-T-C. GRCh37 (hg19) VCF-style: chr1-155211053-T-C.
Other names: c.-146-1185A>G (NM_001171811.2); c.-49-101A>G (NM_001005742.3).
Identifiers: ClinVar variation 1705113 (VCV001705113.1), dbSNP rs1232943445, ClinGen allele CA526434307.